The following is an entry in ClinVar:

ClinVar aggregate classification (germline): Uncertain significance (1 of 4 stars; one submission).

Conditions:
Fanconi anemia (FA). Also called: Fanconi's anemia. Identifiers: Orphanet 84, MedGen C0015625, MeSH D005199, MONDO:0019391.

Submission:

Labcorp Genetics (formerly Invitae), Labcorp
Classification: Uncertain significance for Fanconi anemia. Last evaluated: 2018-02-12. Review status: criteria provided, single submitter. Criteria: Invitae Variant Classification Sherloc (09022015). Collection method: clinical testing. Allele origin: germline.
Comment: This sequence change replaces glutamic acid with aspartic acid at codon 65 of the FANCA protein (p.Glu65Asp). The glutamic acid residue is weakly conserved and there is a small physicochemical difference between glutamic acid and aspartic acid. In summary, the available evidence is currently insufficient to determine the role of this variant in disease. Therefore, it has been classified as a Variant of Uncertain Significance. Algorithms developed to predict the effect of missense changes on protein structure and function output the following: SIFT: "Tolerated"; PolyPhen-2: "Benign"; Align-GVGD: "Class C0". The aspartic acid amino acid residue is found in multiple mammalian species, suggesting that this missense change does not adversely affect protein function. These predictions have not been confirmed by published functional studies and their clinical significance is uncertain. This variant has not been reported in the literature in individuals with FANCA-related disease. This variant is not present in population databases (ExAC no frequency).

NM_000135.4(FANCA):c.195A>C (p.Glu65Asp)

Gene: FANCA (FA complementation group A; minus strand). Cytogenetic location: 16q24.3.
Variant type: single nucleotide variant.
Coding change: c.195A>C on transcript NM_000135.4 (MANE Select); coding-DNA position 195, A replaced by C.
Protein change: p.Glu65Asp; replaces glutamic acid 65 with aspartic acid.
Molecular consequence: missense variant.
Genome position (GRCh38, 1-based): chr16:89,814,608, T>G on the plus strand (A>C on the coding strand, the complement: FANCA is on the minus strand). VCF-style: chr16-89814608-T-G. GRCh37 (hg19) VCF-style: chr16-89881016-T-G.
Other names: c.195A>C, p.Glu65Asp (NM_001018112.3, NM_001286167.3, NM_001351830.2); short protein forms E65D.
Identifiers: ClinVar variation 1037351 (VCV001037351.8), dbSNP rs2041029016, ClinGen allele CA397482629.